The following is an entry in ClinVar:

ClinVar aggregate classification (germline): Pathogenic/Likely pathogenic. Review status: criteria provided, multiple submitters, no conflicts (2 of 4 stars). 3 submissions from 3 submitters: Pathogenic (1); Likely pathogenic (2). Last evaluated 2025-06-23.

Conditions:
Hereditary cancer-predisposing syndrome. Also called: Neoplastic Syndromes, Hereditary; Tumor predisposition; Hereditary Cancer Syndrome; Hereditary neoplastic syndrome. Identifiers: Orphanet 140162, MedGen C0027672, MeSH D009386, MONDO:0015356.
Familial cancer of breast. Also called: BREAST CANCER, FAMILIAL; hereditary breast carcinoma; Hereditary breast cancer. Identifiers: Orphanet 227535, MedGen C0346153, MONDO:0016419, OMIM 114480. Disease mechanism: loss of function.

Submissions (3):

Ambry Genetics
Classification: Likely pathogenic for Hereditary cancer-predisposing syndrome. Last evaluated: 2025-06-23. Review status: criteria provided, single submitter. Criteria: Ambry Variant Classification Scheme 2023. Collection method: clinical testing. Allele origin: germline.
Comment: The c.2144dupA variant, located in coding exon 11 of the BARD1 gene, results from a duplication of A at nucleotide position 2144, causing a translational frameshift with a predicted alternate stop codon (p.T716Dfs*14). This alteration occurs at the 3' terminus of BARD1 gene, is not expected to trigger nonsense-mediated mRNA decay, and only impacts the last 8% of the protein. However, premature stop codons are typically deleterious in nature and the impacted region is critical for protein function. This variant disrupts part of the BRCT domain, which has been demonstrated to be required for homology-directed DNA repair (HDR) (Laufer M et al. J Biol Chem. 2007 Nov;282:34325-33), and a downstream alteration (V767fs) has been shown to be functionally deficient in HDR (Adamovich AI et al. PLoS Genet. 2019 03;15:e1008049). This variant was not reported in population-based cohorts in the Genome Aggregation Database (gnomAD). Based on the majority of available evidence to date, this variant is likely to be pathogenic.

Myriad Genetics, Inc.
Classification: Pathogenic for Familial cancer of breast. Last evaluated: 2023-05-25. Review status: criteria provided, single submitter. Criteria: Myriad Autosomal Dominant, Autosomal Recessive and X-Linked Classification Criteria (2023). Collection method: clinical testing. Allele origin: unknown.
Comment: This variant is considered pathogenic. This variant creates a frameshift predicted to result in premature protein truncation.

Labcorp Genetics (formerly Invitae), Labcorp
Classification: Likely pathogenic for Familial cancer of breast. Last evaluated: 2019-06-14. Review status: criteria provided, single submitter. Criteria: Invitae Variant Classification Sherloc (09022015). Collection method: clinical testing. Allele origin: germline.
Comment: This variant disrupts part of the C-terminal BRCT domain of BARD1 protein, which is required for chromosome stability and homology-directed repair (PMID: 17848578). A different variant (p.Val767fs) that lies downstream of this variant has been reported to affect BARD1 protein function (PMID: 30925164), this suggests that disruption of this region of the protein is causative of disease. In summary, the currently available evidence indicates that the variant is pathogenic, but additional data are needed to prove that conclusively. Therefore, this variant has been classified as Likely Pathogenic. This variant has not been reported in the literature in individuals with BARD1-related conditions. This variant is not present in population databases (ExAC no frequency). This sequence change results in a premature translational stop signal in the BARD1 gene (p.Thr716Aspfs*14). While this is not anticipated to result in nonsense mediated decay, it is expected to disrupt the last 62 amino acids of the BARD1 protein.

Literature cited by the submitters: PubMed 17848578 (cited by Ambry Genetics and Labcorp Genetics (formerly Invitae), Labcorp); PubMed 30925164 (cited by Ambry Genetics and Labcorp Genetics (formerly Invitae), Labcorp).

NM_000465.4(BARD1):c.2144dup (p.Thr716fs)

Gene: BARD1 (BRCA1 associated RING domain 1; minus strand). Cytogenetic location: 2q35.
Variant type: Duplication.
Coding change: c.2144dup on transcript NM_000465.4 (MANE Select); coding-DNA position 2144, one base duplicated (A; older notation c.2144dupA).
Protein change: p.Thr716fs; shifts the reading frame from threonine 716.
Molecular consequence: frameshift variant. On other transcripts: non-coding transcript variant (3).
Genome position (GRCh38, 1-based): chr2:214,728,866, T duplicated on the plus strand (A on the coding strand, the reverse complement: BARD1 is on the minus strand). VCF-style (leftmost placement, unchanged base first): chr2-214728865-C-CT. GRCh37 (hg19) VCF-style: chr2-215593589-C-CT.
Other names: c.2087dup, p.Thr697fs (NM_001282543.2); c.791dup, p.Thr265fs (NM_001282545.2); c.734dup, p.Thr246fs (NM_001282548.2); c.605dup, p.Thr203fs (NM_001282549.2); short protein forms T716fs, T203fs, T246fs, T265fs, T697fs.
Identifiers: ClinVar variation 640797 (VCV000640797.17), dbSNP rs1574703115, ClinGen allele CA915941707.